The following is an entry in ClinVar:

ClinVar aggregate classification (germline): Likely pathogenic (1 of 4 stars; one submission).

gnomAD v4.1: 1 of 1,210,440 alleles (0.000083%); highest among the groups gnomAD compares: Admixed American, 0.0022%; no homozygotes.

Submission:

GeneDx
Classification: Likely pathogenic. Last evaluated: 2025-09-16. Review status: criteria provided, single submitter. Criteria: GeneDx Variant Classification Process June 2021. Collection method: clinical testing. Allele origin: germline. Affected: yes.
Comment: Not observed at significant frequency in large population cohorts (gnomAD); In silico analysis supports that this missense variant has a deleterious effect on protein structure/function; Has not been previously published as pathogenic or benign to our knowledge

NM_021120.4(DLG3):c.592C>T (p.Arg198Trp)

Gene: DLG3 (discs large MAGUK scaffold protein 3; plus strand). Cytogenetic location: Xq13.1.
Variant type: single nucleotide variant.
Coding change: c.592C>T on transcript NM_021120.4 (MANE Select); coding-DNA position 592, C replaced by T.
Protein change: p.Arg198Trp; replaces arginine 198 with tryptophan.
Molecular consequence: missense variant.
Genome position (GRCh38, 1-based): chrX:70,449,748, C>T. VCF-style: chrX-70449748-C-T. GRCh37 (hg19) VCF-style: chrX-69669598-C-T.
Other names: short protein forms R198W.
Identifiers: ClinVar variation 1328590 (VCV001328590.4), dbSNP rs2147770394, ClinGen allele CA413492277.